The following is an entry in ClinVar:

NM_000179.3(MSH6):c.2728A>G (p.Asn910Asp)

Gene: MSH6 (mutS homolog 6; plus strand). Cytogenetic location: 2p16.3.
Variant type: single nucleotide variant.
Coding change: c.2728A>G on transcript NM_000179.3 (MANE Select); coding-DNA position 2728, A replaced by G.
Protein change: p.Asn910Asp; replaces asparagine 910 with aspartic acid.
Molecular consequence: missense variant.
Genome position (GRCh38, 1-based): chr2:47,800,711, A>G. VCF-style: chr2-47800711-A-G. GRCh37 (hg19) VCF-style: chr2-48027850-A-G.
Other names: c.2338A>G, p.Asn780Asp (NM_001281492.2); c.1822A>G, p.Asn608Asp (NM_001281493.2, NM_001281494.2); c.2728A>G (NM_000179.2); short protein forms N780D, N608D, N910D.
Identifiers: ClinVar variation 1479218 (VCV001479218.7), dbSNP rs2104421171, ClinGen allele CA346755371.
Genomic context (GRCh38, chr2:47,800,711, plus strand): 5'-GTCATCTCTCTGCAGACAAAAAATCCTGAAGGTCGTTTTCCTGATTTGACTGTAGAATTG[A>G]ACCGATGGGATACAGCCTTTGACCATGAAAAGGCTCGAAAGACTGGACTTATTACTCCCA-3'
Protein context (NP_000170.1, residues 900-920): GRFPDLTVEL[Asn910Asp]RWDTAFDHEK

ClinVar aggregate classification (germline): Uncertain significance. Review status: criteria provided, multiple submitters, no conflicts (2 of 4 stars). 2 submissions from 2 submitters: Uncertain significance (2). Last evaluated 2026-07-02.

Conditions:
Hereditary cancer-predisposing syndrome. Also called: Hereditary Cancer Syndrome; Tumor predisposition; Neoplastic Syndromes, Hereditary; Hereditary neoplastic syndrome. Identifiers: Orphanet 140162, MedGen C0027672, MeSH D009386, MONDO:0015356.
Hereditary nonpolyposis colorectal neoplasms. Identifiers: MedGen C0009405, MeSH D003123.

Submissions (2):

Ambry Genetics
Classification: Uncertain significance for Hereditary cancer-predisposing syndrome. Last evaluated: 2026-07-02. Review status: criteria provided, single submitter. Criteria: Ambry Variant Classification Scheme 2023. Collection method: clinical testing. Allele origin: germline.
Comment: The p.N910D variant (also known as c.2728A>G), located in coding exon 4 of the MSH6 gene, results from an A to G substitution at nucleotide position 2728. The asparagine at codon 910 is replaced by aspartic acid, an amino acid with highly similar properties. This amino acid position is conserved. In addition, this alteration is predicted to be tolerated by in silico analysis. Based on the available evidence, the clinical significance of this variant remains unclear.

Labcorp Genetics (formerly Invitae), Labcorp
Classification: Uncertain significance for Hereditary nonpolyposis colorectal neoplasms. Last evaluated: 2021-09-23. Review status: criteria provided, single submitter. Criteria: Invitae Variant Classification Sherloc (09022015). Collection method: clinical testing. Allele origin: germline.
Comment: In summary, the available evidence is currently insufficient to determine the role of this variant in disease. Therefore, it has been classified as a Variant of Uncertain Significance. Advanced modeling of protein sequence and biophysical properties (such as structural, functional, and spatial information, amino acid conservation, physicochemical variation, residue mobility, and thermodynamic stability) performed at Invitae indicates that this missense variant is not expected to disrupt MSH6 protein function. This variant has not been reported in the literature in individuals affected with MSH6-related conditions. This variant is not present in population databases (ExAC no frequency). This sequence change replaces asparagine with aspartic acid at codon 910 of the MSH6 protein (p.Asn910Asp). The asparagine residue is weakly conserved and there is a small physicochemical difference between asparagine and aspartic acid.